The following is an entry in ClinVar:

NM_001048174.2(MUTYH):c.1102+9A>T

Gene: MUTYH (mutY DNA glycosylase; minus strand). Cytogenetic location: 1p34.1.
Variant type: single nucleotide variant.
Coding change: c.1102+9A>T on transcript NM_001048174.2 (MANE Select); 9 bases into the intron after coding-DNA position 1102, A replaced by T.
Molecular consequence: intron variant.
Genome position (GRCh38, 1-based): chr1:45,331,652, T>A on the plus strand (A>T on the coding strand, the complement: MUTYH is on the minus strand). VCF-style: chr1-45331652-T-A. GRCh37 (hg19) VCF-style: chr1-45797324-T-A.
Other names: c.757+9A>T (NM_001350651.2, NM_001350650.2); c.826+9A>T (NM_001293192.2, NM_001293196.2); c.1102+9A>T (NM_001048171.2, NM_001048173.2, NM_001293195.2); c.1147+9A>T (NM_001293190.2); c.1177+9A>T (NM_012222.3); c.1186+9A>T (NM_001128425.2); c.1105+9A>T (NM_001048172.2); c.1135+9A>T (NM_001293191.2).
Identifiers: ClinVar variation 135981 (VCV000135981.44), dbSNP rs587780742, ClinGen allele CA012236.
Genomic context (GRCh38, chr1:45,331,652, plus strand): 5'-CAGCTGCCGATTCCCTCCATTCTCTCTTGTTACTCATGCCACTGCCCTCCACGCCCAGTA[T>A]CCAGGTACCTGAGTTGGGCCTCTGCACCAGCAGAATTTGGGCCCCAAGGGCCCCAGGCTG-3'

ClinVar aggregate classification (germline): Conflicting classifications of pathogenicity. Review status: criteria provided, conflicting classifications (1 of 4 stars). 15 submissions from 15 submitters: Uncertain significance (1); Benign (1); Likely benign (10). 3 of the submissions do not count toward it. Last evaluated 2026-01-26.

Conditions:
Hereditary cancer-predisposing syndrome. Also called: Tumor predisposition; Hereditary neoplastic syndrome; Neoplastic Syndromes, Hereditary; Hereditary Cancer Syndrome. Identifiers: Orphanet 140162, MedGen C0027672, MeSH D009386, MONDO:0015356.
Familial adenomatous polyposis 2. Also called: Adenomas, multiple colorectal; MUTYH-associated polyposis; MUTYH-related attenuated familial adenomatous polyposis; MUTYH Polyposis; COLORECTAL ADENOMATOUS POLYPOSIS, AUTOSOMAL RECESSIVE; ADENOMAS, MULTIPLE COLORECTAL, AUTOSOMAL RECESSIVE. Identifiers: Orphanet 220460, Orphanet 247798, MedGen C3272841, MONDO:0012041, OMIM 608456.

Allele frequency attached by ClinVar (database versions not stated): gnomAD exomes 0.00011; TOPMed 0.00013; gnomAD 0.00017 and 0.00018; ExAC 0.00018.
gnomAD v4.1: 352 of 1,613,718 alleles (0.022%); highest among the groups gnomAD compares: Non-Finnish European, 0.028%; no homozygotes.

Submissions (15):

Labcorp Genetics (formerly Invitae), Labcorp
Classification: Likely benign for Familial adenomatous polyposis 2. Last evaluated: 2026-01-26. Review status: criteria provided, single submitter. Criteria: Invitae Variant Classification Sherloc (09022015). Collection method: clinical testing. Allele origin: germline.

Quest Diagnostics Nichols Institute San Juan Capistrano
Classification: Likely benign. Last evaluated: 2025-04-15. Review status: criteria provided, single submitter. Criteria: Quest Diagnostics criteria. Collection method: clinical testing. Allele origin: unknown.

Center for Genomic Medicine, Rigshospitalet, Copenhagen University Hospital
Classification: Likely benign. Last evaluated: 2025-03-04. Review status: criteria provided, single submitter. Criteria: ACMG Guidelines, 2015. Collection method: clinical testing. Allele origin: germline.

Molecular Diagnostics Laboratory, Catalan Institute of Oncology
Classification: Likely benign for Hereditary cancer-predisposing syndrome. Last evaluated: 2024-10-08. Review status: criteria provided, single submitter. Criteria: ACMG Guidelines, 2015. Collection method: clinical testing. Allele origin: germline.
Comment: BP4, BP7 MUTYH c.1186+9A>T is an intronic variant not very close to a canonical splice site, where the SpliceAI algorithm predicts no significant impact on splicing (BP4 and BP7).This variant is found in 23/ 117542, with a filter allele frequency of 0.013% at 99% confidence in the gnomAD v2.1.1 database (European non-Finish non-cancer data set). In addition, the variant was identified in the ClinVar database (11x likely benign, 2, uncertain significance, 1x benign) and (2x VUS, 2x likely benign) in the LOVD database. To our knowledge, neither relevant clinical data nor functional studies have been reported for this variant. Based on currently available information, the variant c.1186+9A>T is classified as a likely benign variant according to ACMG guidelines.

Women's Health and Genetics/Laboratory Corporation of America, LabCorp
Classification: Likely benign. Last evaluated: 2023-12-11. Review status: criteria provided, single submitter. Criteria: LabCorp Variant Classification Summary - May 2015. Collection method: clinical testing. Allele origin: germline.

Genetic Services Laboratory, University of Chicago
Classification: Likely benign. Last evaluated: 2021-11-10. Review status: criteria provided, single submitter. Criteria: ACMG Guidelines, 2015. Collection method: clinical testing. Allele origin: germline. Affected: no.

Mendelics
Classification: Likely benign for Familial adenomatous polyposis 2. Last evaluated: 2019-05-28. Review status: criteria provided, single submitter. Criteria: Mendelics Assertion Criteria 2017. Collection method: clinical testing. Allele origin: unknown.

Illumina Laboratory Services, Illumina
Classification: Uncertain significance for Familial adenomatous polyposis 2. Last evaluated: 2018-01-13. Review status: criteria provided, single submitter. Criteria: ICSL Variant Classification Criteria 13 December 2019. Collection method: clinical testing. Allele origin: germline.

PreventionGenetics, part of Exact Sciences
Classification: Likely benign. Last evaluated: 2017-04-12. Review status: criteria provided, single submitter. Criteria: ACMG Guidelines, 2015. Collection method: clinical testing. Allele origin: germline.

Color Diagnostics, LLC DBA Color Health
Classification: Likely benign for Hereditary cancer-predisposing syndrome. Last evaluated: 2016-06-20. Review status: criteria provided, single submitter. Criteria: ACMG Guidelines, 2015. Collection method: clinical testing. Allele origin: germline.

Ambry Genetics
Classification: Likely benign for Hereditary cancer-predisposing syndrome. Last evaluated: 2015-09-02. Review status: criteria provided, single submitter. Criteria: Ambry General Variant Classification Scheme_2022. Collection method: clinical testing. Allele origin: germline. Observed: 1 variant allele.

GeneDx
Classification: Benign. Last evaluated: 2015-03-19. Review status: criteria provided, single submitter. Criteria: GeneDx Variant Classification (06012015). Collection method: clinical testing. Allele origin: germline. Affected: yes.
Comment: This variant is considered likely benign or benign based on one or more of the following criteria: it is a conservative change, it occurs at a poorly conserved position in the protein, it is predicted to be benign by multiple in silico algorithms, and/or has population frequency not consistent with disease.

Counsyl
Classification: Likely benign for Familial adenomatous polyposis 2. Last evaluated: 2016-10-28. Review status: no assertion criteria provided. Collection method: clinical testing. Allele origin: unknown. Not counted in ClinVar's aggregate classification.

Clinical Genetics, Academic Medical Center
Classification: Likely benign. Review status: no assertion criteria provided. Collection method: clinical testing. Allele origin: germline. Affected: yes. Study: VKGL Data-share Consensus. Not counted in ClinVar's aggregate classification.

Diagnostic Laboratory, Department of Genetics, University Medical Center Groningen
Classification: Likely benign. Review status: no assertion criteria provided. Collection method: clinical testing. Allele origin: germline. Affected: yes. Study: VKGL Data-share Consensus. Not counted in ClinVar's aggregate classification.